The following is an entry in ClinVar:

ClinVar aggregate classification (germline): Benign/Likely benign. Review status: criteria provided, multiple submitters, no conflicts (2 of 4 stars). 5 submissions from 5 submitters: Benign (1); Likely benign (4). Last evaluated 2025-12-27.

Conditions:
Familial adenomatous polyposis 1 (FAP1). Also called: FAMILIAL ADENOMATOUS POLYPOSIS 1, ATTENUATED; POLYPOSIS, ADENOMATOUS INTESTINAL. Identifiers: MedGen C2713442, MONDO:0021056, OMIM 175100. Disease mechanism: loss of function.
Hereditary cancer-predisposing syndrome. Also called: Neoplastic Syndromes, Hereditary; Tumor predisposition; Hereditary Cancer Syndrome; Hereditary neoplastic syndrome. Identifiers: Orphanet 140162, MedGen C0027672, MeSH D009386, MONDO:0015356.

Allele frequency attached by ClinVar (database versions not stated): gnomAD exomes below 0.00001 and 0.00001; ExAC 0.00001.
gnomAD v4.1: 6 of 1,613,978 alleles (0.00037%); highest among the groups gnomAD compares: East Asian, 0.011%; no homozygotes.

Submissions (5):

Labcorp Genetics (formerly Invitae), Labcorp
Classification: Likely benign for Familial adenomatous polyposis 1. Last evaluated: 2025-12-27. Review status: criteria provided, single submitter. Criteria: Invitae Variant Classification Sherloc (09022015). Collection method: clinical testing. Allele origin: germline.

Myriad Genetics, Inc.
Classification: Benign for Familial adenomatous polyposis 1. Last evaluated: 2024-03-06. Review status: criteria provided, single submitter. Criteria: Myriad Autosomal Dominant, Autosomal Recessive and X-Linked Classification Criteria (2023). Collection method: clinical testing. Allele origin: unknown.
Comment: This variant is considered benign. This variant is a silent/synonymous amino acid change and it is not expected to impact splicing.

Color Diagnostics, LLC DBA Color Health
Classification: Likely benign for Hereditary cancer-predisposing syndrome. Last evaluated: 2023-04-23. Review status: criteria provided, single submitter. Criteria: ACMG Guidelines, 2015. Collection method: clinical testing. Allele origin: germline.

Quest Diagnostics Nichols Institute San Juan Capistrano
Classification: Likely benign. Last evaluated: 2023-03-10. Review status: criteria provided, single submitter. Criteria: Quest Diagnostics criteria. Collection method: clinical testing. Allele origin: unknown.

Ambry Genetics
Classification: Likely benign for Hereditary cancer-predisposing syndrome. Last evaluated: 2019-05-22. Review status: criteria provided, single submitter. Criteria: Ambry Variant Classification Scheme 2023. Collection method: clinical testing. Allele origin: germline.

NM_000038.6(APC):c.1692A>C (p.Arg564=)

Gene: APC (APC regulator of Wnt signaling pathway; plus strand). Cytogenetic location: 5q22.2.
Variant type: single nucleotide variant.
Coding change: c.1692A>C on transcript NM_000038.6 (MANE Select); coding-DNA position 1692, A replaced by C.
Protein change: p.Arg564=; no amino-acid change (arginine 564 retained).
Molecular consequence: synonymous variant.
Genome position (GRCh38, 1-based): chr5:112,828,921, A>C. VCF-style: chr5-112828921-A-C. GRCh37 (hg19) VCF-style: chr5-112164618-A-C.
Other names: c.1692A>C, p.Arg564= (NM_001127510.3, NM_001354895.2); c.1617A>C, p.Arg539= (NM_001354898.2); c.1608A>C, p.Arg536= (NM_001354899.2); c.1638A>C, p.Arg546= (NM_001127511.3); c.1746A>C, p.Arg582= (NM_001354896.2); c.1722A>C, p.Arg574= (NM_001354897.2); c.1569A>C, p.Arg523= (NM_001354900.2); c.1515A>C, p.Arg505= (NM_001354901.2); and 5 more.
Identifiers: ClinVar variation 819859 (VCV000819859.15), dbSNP rs763295800, ClinGen allele CA029047.